The following is an entry in ClinVar:

ClinVar aggregate classification (germline): Uncertain significance (1 of 4 stars; one submission).

Conditions:
X-linked severe combined immunodeficiency (SCIDX1). Also called: X-Linked Combined Immunodeficiency Diseases; IMMUNODEFICIENCY 4; SCID, X-LINKED; SEVERE COMBINED IMMUNODEFICIENCY, X-LINKED, T CELL-NEGATIVE, B CELL-POSITIVE, NK CELL-NEGATIVE; T-B+ severe combined immunodeficiency due to gamma chain deficiency. Identifiers: Orphanet 276, MedGen C6022468, MONDO:0010315, OMIM 300400. Disease mechanism: loss of function.

Allele frequency attached by ClinVar (database versions not stated): gnomAD 0.00001.
gnomAD v4.1: 1 of 1,207,653 alleles (0.000083%); highest among the groups gnomAD compares: Admixed American, 0.0022%; no homozygotes.

Submission:

Labcorp Genetics (formerly Invitae), Labcorp
Classification: Uncertain significance for X-linked severe combined immunodeficiency. Last evaluated: 2023-05-21. Review status: criteria provided, single submitter. Criteria: Invitae Variant Classification Sherloc (09022015). Collection method: clinical testing. Allele origin: germline.
Comment: This variant has not been reported in the literature in individuals affected with IL2RG-related conditions. This variant is not present in population databases (gnomAD no frequency). This sequence change replaces glutamic acid, which is acidic and polar, with lysine, which is basic and polar, at codon 319 of the IL2RG protein (p.Glu319Lys). Advanced modeling of protein sequence and biophysical properties (such as structural, functional, and spatial information, amino acid conservation, physicochemical variation, residue mobility, and thermodynamic stability) performed at Invitae indicates that this missense variant is not expected to disrupt IL2RG protein function. In summary, the available evidence is currently insufficient to determine the role of this variant in disease. Therefore, it has been classified as a Variant of Uncertain Significance.

NM_000206.3(IL2RG):c.955G>A (p.Glu319Lys)

Gene: IL2RG (interleukin 2 receptor subunit gamma; minus strand). Cytogenetic location: Xq13.1.
Variant type: single nucleotide variant.
Coding change: c.955G>A on transcript NM_000206.3 (MANE Select); coding-DNA position 955, G replaced by A.
Protein change: p.Glu319Lys; replaces glutamic acid 319 with lysine.
Molecular consequence: missense variant.
Genome position (GRCh38, 1-based): chrX:71,107,891, C>T on the plus strand (G>A on the coding strand, the complement: IL2RG is on the minus strand). VCF-style: chrX-71107891-C-T. GRCh37 (hg19) VCF-style: chrX-70327741-C-T.
Other names: short protein forms E319K.
Identifiers: ClinVar variation 2866689 (VCV002866689.3), dbSNP rs2092254002, ClinGen allele CA413628080.
Genomic context (GRCh38, chrX:71,107,891, plus strand): 5'-CTTTTGGGGGAATCTCACTGACGAGGCAGAGTCGTTCACTGTAGTCTGGCTGCAGACTCT[C>T]AGCCAGTCCCTTAGACACACCACTCCAGGCCTAAAGACAGATATGTCCAGGTCAGGGGTC-3'
Protein context (NP_000197.1, residues 309-329): AWSGVSKGLA[Glu319Lys]SLQPDYSERL